The following is an entry in ClinVar:

NM_001321324.2(MOV10):c.2527T>G (p.Cys843Gly)

Gene: MOV10 (Mov10 RNA helicase; plus strand). Cytogenetic location: 1p13.2.
Variant type: single nucleotide variant.
Coding change: c.2527T>G on transcript NM_001321324.2 (MANE Select); coding-DNA position 2527, T replaced by G.
Protein change: p.Cys843Gly; replaces cysteine 843 with glycine.
Molecular consequence: missense variant.
Genome position (GRCh38, 1-based): chr1:112,698,733, T>G. VCF-style: chr1-112698733-T-G. GRCh37 (hg19) VCF-style: chr1-113241355-T-G.
Other names: c.2527T>G, p.Cys843Gly (NM_001130079.3, NM_001369507.1, NM_020963.5); c.2359T>G, p.Cys787Gly (NM_001286072.2, NM_001389562.1, NM_001389563.1); short protein forms C787G, C843G.
Identifiers: ClinVar variation 3355875 (VCV003355875.1).

ClinVar aggregate classification (germline): Uncertain significance (0 of 4 stars; one submission).

Conditions:
MOV10-related disorder. Also called: MOV10-related condition.

Submission:

PreventionGenetics, part of Exact Sciences
Classification: Uncertain significance for MOV10-related condition. Last evaluated: 2024-06-13. Review status: no assertion criteria provided. Collection method: clinical testing. Allele origin: germline.
Comment: The MOV10 c.2527T>G variant is predicted to result in the amino acid substitution p.Cys843Gly. To our knowledge, this variant has not been reported in the literature or in a large population database, indicating this variant is rare. At this time, the clinical significance of this variant is uncertain due to the absence of conclusive functional and genetic evidence.